The following is an entry in ClinVar:

NM_002529.4(NTRK1):c.878C>T (p.Ala293Val)

Gene: NTRK1 (neurotrophic receptor tyrosine kinase 1; plus strand). Cytogenetic location: 1q23.1.
Variant type: single nucleotide variant.
Coding change: c.878C>T on transcript NM_002529.4 (MANE Select); coding-DNA position 878, C replaced by T.
Protein change: p.Ala293Val; replaces alanine 293 with valine.
Molecular consequence: missense variant.
Genome position (GRCh38, 1-based): chr1:156,873,660, C>T. VCF-style: chr1-156873660-C-T. GRCh37 (hg19) VCF-style: chr1-156843452-C-T.
Other names: c.878C>T (NM_002529.3); c.788C>T, p.Ala263Val (NM_001007792.1); c.878C>T, p.Ala293Val (NM_001012331.2); short protein forms A263V, A293V.
Identifiers: ClinVar variation 647824 (VCV000647824.12), dbSNP rs567093941, ClinGen allele CA1169137.

ClinVar aggregate classification (germline): Uncertain significance. Review status: criteria provided, multiple submitters, no conflicts (2 of 4 stars). 6 submissions from 6 submitters: Uncertain significance (5). 1 of the submissions does not count toward it. Last evaluated 2026-05-27.

Conditions:
Hereditary insensitivity to pain with anhidrosis (CIPA). Also called: INSENSITIVITY TO PAIN, CONGENITAL, WITH ANHIDROSIS; HSAN Type IV; FAMILIAL DYSAUTONOMIA, TYPE II; NTRK1 Congenital Insensitivity to Pain with Anhidrosis; NEUROPATHY, CONGENITAL SENSORY, WITH ANHIDROSIS; hereditary sensory and autonomic neuropathy type 4. Identifiers: Orphanet 642, MedGen C0020074, MONDO:0009746, OMIM 256800.
NTRK1-related disorder. Also called: NTRK1-related condition.
Inborn genetic diseases. Identifiers: MedGen C0950123, MeSH D030342.

Allele frequency attached by ClinVar (database versions not stated): gnomAD 0.00001; ExAC 0.00003; gnomAD exomes 0.00003 and 0.00010; TOPMed 0.00003.
gnomAD v4.1: 142 of 1,610,286 alleles (0.0088%); highest among the groups gnomAD compares: Non-Finnish European, 0.012%; no homozygotes.

Submissions (6):

PreventionGenetics, part of Exact Sciences
Classification: Uncertain significance for NTRK1-related condition. Last evaluated: 2026-05-27. Review status: criteria provided, single submitter. Criteria: ACMG Guidelines, 2015. Collection method: clinical testing. Allele origin: germline.
Comment: The NTRK1 c.878C>T variant is predicted to result in the amino acid substitution p.Ala293Val. To our knowledge, this variant has not been reported in the literature. This variant is reported in 0.0074% of alleles in individuals of European (Non-Finnish) descent in gnomAD. At this time, the clinical significance of this variant is uncertain due to the absence of conclusive functional and genetic evidence.

Ambry Genetics
Classification: Uncertain significance for Inborn genetic diseases. Last evaluated: 2025-03-06. Review status: criteria provided, single submitter. Criteria: Ambry Variant Classification Scheme 2023. Collection method: clinical testing. Allele origin: germline.

GeneDx
Classification: Uncertain significance. Last evaluated: 2024-05-30. Review status: criteria provided, single submitter. Criteria: GeneDx Variant Classification Process June 2021. Collection method: clinical testing. Allele origin: germline. Affected: yes.
Comment: In silico analysis indicates that this missense variant does not alter protein structure/function; Has not been previously published as pathogenic or benign to our knowledge

Genome-Nilou Lab
Classification: Uncertain significance for Hereditary insensitivity to pain with anhidrosis. Last evaluated: 2023-04-11. Review status: criteria provided, single submitter. Criteria: ACMG Guidelines, 2015. Collection method: clinical testing. Allele origin: germline. Affected: no.

Labcorp Genetics (formerly Invitae), Labcorp
Classification: Uncertain significance for Hereditary insensitivity to pain with anhidrosis. Last evaluated: 2022-06-19. Review status: criteria provided, single submitter. Criteria: Invitae Variant Classification Sherloc (09022015). Collection method: clinical testing. Allele origin: germline.
Comment: This sequence change replaces alanine, which is neutral and non-polar, with valine, which is neutral and non-polar, at codon 293 of the NTRK1 protein (p.Ala293Val). This variant is present in population databases (rs567093941, gnomAD 0.006%). This variant has not been reported in the literature in individuals affected with NTRK1-related conditions. ClinVar contains an entry for this variant (Variation ID: 647824). Advanced modeling of protein sequence and biophysical properties (such as structural, functional, and spatial information, amino acid conservation, physicochemical variation, residue mobility, and thermodynamic stability) performed at Invitae indicates that this missense variant is expected to disrupt NTRK1 protein function. In summary, the available evidence is currently insufficient to determine the role of this variant in disease. Therefore, it has been classified as a Variant of Uncertain Significance.

Natera, Inc.
Classification: Uncertain significance for Hereditary insensitivity to pain with anhidrosis. Last evaluated: 2020-09-16. Review status: no assertion criteria provided. Collection method: clinical testing. Allele origin: germline. Not counted in ClinVar's aggregate classification.